The following is an entry in ClinVar:

NM_000812.4(GABRB1):c.282C>G (p.Asp94Glu)

Gene: GABRB1 (gamma-aminobutyric acid type A receptor subunit beta1; plus strand). Cytogenetic location: 4p12.
Variant type: single nucleotide variant.
Coding change: c.282C>G on transcript NM_000812.4 (MANE Select); coding-DNA position 282, C replaced by G.
Protein change: p.Asp94Glu; replaces aspartic acid 94 with glutamic acid.
Molecular consequence: missense variant.
Genome position (GRCh38, 1-based): chr4:47,161,290, C>G. VCF-style: chr4-47161290-C-G. GRCh37 (hg19) VCF-style: chr4-47163307-C-G.
Other names: short protein forms D94E.
Identifiers: ClinVar variation 3381540 (VCV003381540.1).

ClinVar aggregate classification (germline): Uncertain significance (1 of 4 stars; one submission).

Submission:

GeneDx
Classification: Uncertain significance. Last evaluated: 2024-05-21. Review status: criteria provided, single submitter. Criteria: GeneDx Variant Classification Process June 2021. Collection method: clinical testing. Allele origin: germline. Affected: yes.
Comment: Not observed at significant frequency in large population cohorts (gnomAD); In silico analysis supports that this missense variant has a deleterious effect on protein structure/function; Has not been previously published as pathogenic or benign to our knowledge